The following is an entry in ClinVar:

ClinVar aggregate classification (germline): Uncertain significance. Review status: criteria provided, multiple submitters, no conflicts (2 of 4 stars). 2 submissions from 2 submitters: Uncertain significance (2). Last evaluated 2026-09-10.

Conditions:
Hereditary cancer-predisposing syndrome. Also called: Hereditary Cancer Syndrome; Neoplastic Syndromes, Hereditary; Hereditary neoplastic syndrome; Tumor predisposition. Identifiers: Orphanet 140162, MedGen C0027672, MeSH D009386, MONDO:0015356.
Neuroblastoma, susceptibility to, 3. Also called: ALK-Related Neuroblastic Tumor Susceptibility. Identifiers: Orphanet 635, MedGen C2751681, MONDO:0013083, OMIM 613014.

gnomAD v4.1: 2 of 1,614,204 alleles (0.00012%); highest among the groups gnomAD compares: Non-Finnish European, 0.00017%; no homozygotes.

Submissions (2):

Ambry Genetics
Classification: Uncertain significance for Hereditary cancer-predisposing syndrome. Last evaluated: 2026-09-10. Review status: criteria provided, single submitter. Criteria: Ambry Variant Classification Scheme 2023. Collection method: clinical testing. Allele origin: germline.
Comment: The p.Q438L variant (also known as c.1313A>T), located in coding exon 6 of the ALK gene, results from an A to T substitution at nucleotide position 1313. The glutamine at codon 438 is replaced by leucine, an amino acid with dissimilar properties. This amino acid position is well conserved in available vertebrate species. In addition, the in silico prediction for this alteration is inconclusive. Based on the available evidence, the clinical significance of this variant remains unclear.

Labcorp Genetics (formerly Invitae), Labcorp
Classification: Uncertain significance for Neuroblastoma, susceptibility to, 3. Last evaluated: 2023-10-20. Review status: criteria provided, single submitter. Criteria: Invitae Variant Classification Sherloc (09022015). Collection method: clinical testing. Allele origin: germline.
Comment: This sequence change replaces glutamine, which is neutral and polar, with leucine, which is neutral and non-polar, at codon 438 of the ALK protein (p.Gln438Leu). This variant is not present in population databases (gnomAD no frequency). This variant has not been reported in the literature in individuals affected with ALK-related conditions. ClinVar contains an entry for this variant (Variation ID: 1381773). An algorithm developed to predict the effect of missense changes on protein structure and function (PolyPhen-2) suggests that this variant is likely to be disruptive. In summary, the available evidence is currently insufficient to determine the role of this variant in disease. Therefore, it has been classified as a Variant of Uncertain Significance.

NM_004304.5(ALK):c.1313A>T (p.Gln438Leu)

Gene: ALK (ALK receptor tyrosine kinase; minus strand). Cytogenetic location: 2p23.2.
Variant type: single nucleotide variant.
Coding change: c.1313A>T on transcript NM_004304.5 (MANE Select); coding-DNA position 1313, A replaced by T.
Protein change: p.Gln438Leu; replaces glutamine 438 with leucine.
Molecular consequence: missense variant.
Genome position (GRCh38, 1-based): chr2:29,328,451, T>A on the plus strand (A>T on the coding strand, the complement: ALK is on the minus strand). VCF-style: chr2-29328451-T-A. GRCh37 (hg19) VCF-style: chr2-29551317-T-A.
Other names: c.1313A>T (NM_004304.4); short protein forms Q438L.
Identifiers: ClinVar variation 1381773 (VCV001381773.9), dbSNP rs2148258388, ClinGen allele CA346474479.
Genomic context (GRCh38, chr2:29,328,451, plus strand): 5'-TGGAAGTCACAGGCCTGCCCAAGCTGGAGGACTGTCCCATTCCAACAAGTGAAGGAGCTC[T>A]GCAGGGCCATCTTGGAGCCTGGGGATGTTCCTGGAGAGCACACAGACACACAACCATGGT-3'
Protein context (NP_004295.2, residues 428-448): GTSPGSKMAL[Gln438Leu]SSFTCWNGTV